The following is an entry in ClinVar:

ClinVar aggregate classification (germline): Uncertain significance (1 of 4 stars; one submission).

Conditions:
Inborn genetic diseases. Identifiers: MedGen C0950123, MeSH D030342.

Allele frequency attached by ClinVar (database versions not stated): TOPMed below 0.00001.

Submission:

Ambry Genetics
Classification: Uncertain significance for Inborn genetic diseases. Last evaluated: 2016-09-22. Review status: criteria provided, single submitter. Criteria: Ambry Variant Classification Scheme 2023. Collection method: clinical testing. Allele origin: germline.
Comment: The c.-6G>A variant is located in the 5' untranslated region (5&rsquo; UTR) of the RPS6KA3 gene. This variant results from a G to A substitution 6 bases upstream from the first translated codon. This variant was not reported in population based cohorts in the following databases: Database of Single Nucleotide Polymorphisms (dbSNP), NHLBI Exome Sequencing Project (ESP), and 1000 Genomes Project. In the ESP, this variant was not observed in 3763 samples with coverage at this position. This nucleotide position is well conserved in available vertebrate species. Since supporting evidence is limited at this time, the clinical significance of this variant remains unclear.

NM_004586.3(RPS6KA3):c.-6G>A

Gene: RPS6KA3 (ribosomal protein S6 kinase A3; minus strand). Cytogenetic location: Xp22.12.
Variant type: single nucleotide variant.
Coding change: c.-6G>A on transcript NM_004586.3 (MANE Select); 6 bases upstream of the start codon, G replaced by A.
Molecular consequence: 5 prime UTR variant.
Genome position (GRCh38, 1-based): chrX:20,266,638, C>T on the plus strand (G>A on the coding strand, the complement: RPS6KA3 is on the minus strand). VCF-style: chrX-20266638-C-T. GRCh37 (hg19) VCF-style: chrX-20284756-C-T.
Identifiers: ClinVar variation 1756616 (VCV001756616.2), dbSNP rs2070396281, ClinGen allele CA2418539414.